The following is an entry in ClinVar:

ClinVar aggregate classification (germline): Benign. Review status: reviewed by expert panel (3 of 4 stars). 11 submissions from 11 submitters: Benign (1). 10 of the submissions do not count toward it. Last evaluated 2026-01-23.

Conditions:
DYSF-related disorder. Also called: DYSF-related condition; DYSF-related disorders.
Autosomal recessive limb-girdle muscular dystrophy. Identifiers: Orphanet 102015, MedGen C2931907, MONDO:0015152.
Neuromuscular disease caused by qualitative or quantitative defects of dysferlin. Also called: Dysferlinopathy; Qualitative or quantitative defects of dysferlin. Identifiers: Orphanet 207073, MedGen C2931687, MONDO:0016145.
Autosomal recessive limb-girdle muscular dystrophy type 2B (LGMDR2). Also called: MUSCULAR DYSTROPHY, LIMB-GIRDLE, AUTOSOMAL RECESSIVE 2; Limb-Girdle Muscular Dystrophy Type 2B (LGMD2B); MUSCULAR DYSTROPHY, LIMB-GIRDLE, TYPE 3; Limb-girdle muscular dystrophy, type 2B. Identifiers: Orphanet 268, MedGen C1850889, MONDO:0009676, OMIM 253601.

Allele frequency attached by ClinVar (database versions not stated): TOPMed 0.00001; 1000 Genomes Project 30x 0.00125; 1000 Genomes Project 0.00140.
gnomAD v4.1: 588 of 1,604,684 alleles (0.037%); highest among the groups gnomAD compares: South Asian, 0.63%; 8 homozygotes.

Submissions (11):

ClinGen Limb Girdle Muscular Dystrophy Variant Curation Expert Panel, ClinGen
Classification: Benign for Autosomal recessive limb-girdle muscular dystrophy. Last evaluated: 2026-01-23. Review status: reviewed by expert panel. Criteria: ClinGen LGMD VCEP ACMG Specifications DYSF V2.0.0. Collection method: curation. Allele origin: germline. Inheritance: Autosomal recessive inheritance.
Comment: The NM_003494.4: c.1745G>T variant in DYSF, which is also known as NM_001130987.2: c.1799G>T (p.Arg600Leu), is a missense variant predicted to cause substitution of arginine to leucine at amino acid 582, p.(Arg582Leu). The filtering allele frequency of this variant is 0.005824 (the lower threshold of the 95% CI of 555/88726 chromosomes) in the South Asian population of gnomAD v4.1.0, which is greater than the ClinGen LGMD VCEP threshold >0.003 for BA1, meeting this criterion (BA1). While this variant has been identified in individuals with suspected LGMD (PMID: 27666772, 30564623), either in a heterozygous state or with a second variant in unknown phase, its frequency in control populations is high relative to disease prevalence (PM3 and PP4 not met). The computational predictor REVEL gives a score of 0.50 (PP3 and BP4 not met). In summary, this variant is classified as Benign for autosomal recessive limb girdle muscular dystrophy based on the ACMG/AMP criteria applied, as specified by the ClinGen LGMD VCEP (specifications v2.0.0; 01/23/2026): BA1.

CeGaT Center for Human Genetics Tuebingen
Classification: Likely benign. Last evaluated: 2026-08-01. Review status: criteria provided, single submitter. Criteria: CeGaT Center For Human Genetics Tuebingen Variant Classification Criteria Version 2. Collection method: clinical testing. Allele origin: germline. Affected: yes. Observed: 1 variant allele. Not counted in ClinVar's aggregate classification.
Comment: DYSF: BS2

PreventionGenetics, part of Exact Sciences
Classification: Uncertain significance for DYSF-related condition. Last evaluated: 2026-02-23. Review status: criteria provided, single submitter. Criteria: ACMG Guidelines, 2015. Collection method: clinical testing. Allele origin: germline. Not counted in ClinVar's aggregate classification.
Comment: The DYSF c.1745G>T variant is predicted to result in the amino acid substitution p.Arg582Leu. This variant was reported in an individual with a 2nd frameshift variant in DYSF who was affected with limb girdle muscular dystrophy (Vincent et al. 2016. PubMed ID: 27666772). This variant is reported in 0.62% of alleles in individuals of South Asian descent in gnomAD. Although we suspect that this variant may be benign, at this time, the clinical significance of this variant is uncertain due to the absence of conclusive functional and genetic evidence.

Labcorp Genetics (formerly Invitae), Labcorp
Classification: Likely benign for Neuromuscular disease caused by qualitative or quantitative defects of dysferlin. Last evaluated: 2026-01-28. Review status: criteria provided, single submitter. Criteria: Invitae Variant Classification Sherloc (09022015). Collection method: clinical testing. Allele origin: germline. Not counted in ClinVar's aggregate classification.

Blueprint Genetics
Classification: Likely benign. Last evaluated: 2024-10-08. Review status: criteria provided, single submitter. Criteria: ACMG Guidelines, 2015. Collection method: clinical testing. Allele origin: germline. Not counted in ClinVar's aggregate classification.

Revvity Omics, Revvity
Classification: Likely benign. Last evaluated: 2023-08-09. Review status: criteria provided, single submitter. Criteria: ACMG Guidelines, 2015. Collection method: clinical testing. Allele origin: germline. Not counted in ClinVar's aggregate classification.

GeneDx
Classification: Likely benign. Last evaluated: 2019-06-13. Review status: criteria provided, single submitter. Criteria: GeneDx Variant Classification Process June 2021. Collection method: clinical testing. Allele origin: germline. Affected: yes. Not counted in ClinVar's aggregate classification.
Comment: This variant is associated with the following publications: (PMID: 27666772)

Eurofins Ntd Llc (ga)
Classification: Uncertain significance. Last evaluated: 2018-04-13. Review status: criteria provided, single submitter. Criteria: EGL ClinVar v180209 classification definitions. Collection method: clinical testing. Allele origin: germline. Observed: 4 variant alleles, 4 heterozygotes. Not counted in ClinVar's aggregate classification.

Illumina Laboratory Services, Illumina
Classification: Uncertain significance for Qualitative or quantitative defects of dysferlin. Last evaluated: 2018-01-13. Review status: criteria provided, single submitter. Criteria: ICSL Variant Classification Criteria 13 December 2019. Collection method: clinical testing. Allele origin: germline. Not counted in ClinVar's aggregate classification.

Natera, Inc.
Classification: Benign for Limb-girdle muscular dystrophy type 2B. Last evaluated: 2020-08-13. Review status: no assertion criteria provided. Collection method: clinical testing. Allele origin: germline. Not counted in ClinVar's aggregate classification.

Counsyl
Classification: Uncertain significance for Autosomal recessive limb-girdle muscular dystrophy type 2B. Last evaluated: 2017-02-09. Review status: no assertion criteria provided. Collection method: clinical testing. Allele origin: unknown. Not counted in ClinVar's aggregate classification.

Literature cited by the submitters: PubMed 27666772 (cited by Eurofins Ntd Llc (ga) and Counsyl).

NM_001130987.2(DYSF):c.1799G>T (p.Arg600Leu)

Gene: DYSF (dysferlin; plus strand). Cytogenetic location: 2p13.2.
Variant type: single nucleotide variant.
Coding change: c.1799G>T on transcript NM_001130987.2 (MANE Select); coding-DNA position 1799, G replaced by T.
Protein change: p.Arg600Leu; replaces arginine 600 with leucine.
Molecular consequence: missense variant.
Genome position (GRCh38, 1-based): chr2:71,551,713, G>T. VCF-style: chr2-71551713-G-T. GRCh37 (hg19) VCF-style: chr2-71778843-G-T.
Other names: NM_001130987.2(DYSF):c.1799G>T; p.Arg600Leu; c.1748G>T, p.Arg583Leu (NM_001130455.2, NM_001130983.2); c.1703G>T, p.Arg568Leu (NM_001130976.2, NM_001130977.2); c.1745G>T, p.Arg582Leu (NM_001130978.2, NM_003494.4); c.1838G>T, p.Arg613Leu (NM_001130979.2); c.1796G>T, p.Arg599Leu (NM_001130980.2, NM_001130981.2); c.1841G>T, p.Arg614Leu (NM_001130982.2); and 2 more; short protein forms R582L, R600L, R569L, R614L, R599L, R583L, R568L, R613L.
Identifiers: ClinVar variation 336956 (VCV000336956.36), dbSNP rs546679270, ClinGen allele CA1705931.